The following is an entry in ClinVar:

ClinVar aggregate classification (germline): Conflicting classifications of pathogenicity. Review status: criteria provided, conflicting classifications (1 of 4 stars). 6 submissions from 6 submitters: Uncertain significance (5); Likely benign (1). Last evaluated 2025-12-17.

Conditions:
Cardiovascular phenotype. Identifiers: MedGen CN230736.
DSP-related disorder. Also called: DSP-related condition; DSP-related disorders.
Arrhythmogenic cardiomyopathy with wooly hair and keratoderma. Also called: Dilated cardiomyopathy with woolly hair and keratoderma; Carvajal syndrome; PALMOPLANTAR KERATODERMA WITH LEFT VENTRICULAR CARDIOMYOPATHY AND WOOLLY HAIR; Arrhythmogenic cardiomyopathy with woolly hair and keratoderma. Identifiers: Orphanet 65282, MedGen C1854063, MONDO:0011581, OMIM 605676.
Keratosis palmoplantaris striata 2. Also called: KERATODERMA, PALMOPLANTAR, STRIATE FORM II; STRIATE PALMOPLANTAR KERATODERMA II; Keratosis palmoplantaris striata II. Identifiers: MedGen C1852127, MONDO:0013034, OMIM 612908.
Cardiomyopathy, dilated, with wooly hair, keratoderma, and tooth agenesis. Also called: Cardiomyopathy, dilated, with woolly hair, keratoderma, and tooth agenesis; Erythrokeratodermia-cardiomyopathy syndrome. Identifiers: Orphanet 476096, Orphanet 65282, MedGen C4014393, MONDO:0014355, OMIM 615821.
Lethal acantholytic epidermolysis bullosa (EBLA). Identifiers: Orphanet 158687, MedGen C1864826, MONDO:0012323, OMIM 609638.
Woolly hair-skin fragility syndrome (WHSF). Identifiers: Orphanet 293165, MedGen C1843292, MONDO:0957307, OMIM 620415.
Arrhythmogenic right ventricular dysplasia 8 (ARVD8). Also called: Arrhythmogenic Right Ventricular Dysplasia/Cardiomyopathy 8; ARRHYTHMOGENIC RIGHT VENTRICULAR DYSPLASIA, FAMILIAL, 8; ARRHYTHMOGENIC RIGHT VENTRICULAR CARDIOMYOPATHY 8. Identifiers: MedGen C1843896, MONDO:0011831, OMIM 607450.
Cardiomyopathy (CMYO). Also called: Cardiomyopathies. Identifiers: Orphanet 167848, MedGen C0878544, MONDO:0004994, HP:0001638. Inheritance: Various modes of inheritance.

Allele frequency attached by ClinVar (database versions not stated): gnomAD exomes 0.00001 and 0.00003; TOPMed 0.00001; ExAC 0.00002; gnomAD 0.00002.
gnomAD v4.1: 18 of 1,613,870 alleles (0.0011%); highest among the groups gnomAD compares: South Asian, 0.0055%; no homozygotes.

Submissions (6):

PreventionGenetics, part of Exact Sciences
Classification: Uncertain significance for DSP-related condition. Last evaluated: 2025-12-17. Review status: criteria provided, single submitter. Criteria: ACMG Guidelines, 2015. Collection method: clinical testing. Allele origin: germline.
Comment: The DSP c.449G>A variant is predicted to result in the amino acid substitution p.Arg150Gln. This variant has been reported as a variant of uncertain significance in a case of sudden cardiac death, and autopsy findings suggested left ventricular noncompaction cardiomyopathy (Kwok et al. 2024. PubMed ID: 38958565). This variant is reported in 0.013% of alleles in individuals of South Asian descent in gnomAD. At this time, the clinical significance of this variant is uncertain due to the absence of conclusive functional and genetic evidence.

Labcorp Genetics (formerly Invitae), Labcorp
Classification: Likely benign for Arrhythmogenic cardiomyopathy with wooly hair and keratoderma; Arrhythmogenic right ventricular dysplasia 8. Last evaluated: 2025-08-24. Review status: criteria provided, single submitter. Criteria: Invitae Variant Classification Sherloc (09022015). Collection method: clinical testing. Allele origin: germline.

Ambry Genetics
Classification: Uncertain significance for Cardiovascular phenotype. Last evaluated: 2024-11-29. Review status: criteria provided, single submitter. Criteria: Ambry Variant Classification Scheme 2023. Collection method: clinical testing. Allele origin: germline.

Color Diagnostics, LLC DBA Color Health
Classification: Uncertain significance for Cardiomyopathy. Last evaluated: 2024-03-07. Review status: criteria provided, single submitter. Criteria: ACMG Guidelines, 2015. Collection method: clinical testing. Allele origin: germline.
Comment: This missense variant replaces arginine with glutamine at codon 150 of the DSP protein. Computational prediction suggests that this variant may not impact protein structure and function (internally defined REVEL score threshold <= 0.5, PMID: 27666373). To our knowledge, functional studies have not been reported for this variant. This variant has not been reported in individuals affected with cardiovascular disorders in the literature. This variant has been identified in 9/282198 chromosomes in the general population by the Genome Aggregation Database (gnomAD). The available evidence is insufficient to determine the role of this variant in disease conclusively. Therefore, this variant is classified as a Variant of Uncertain Significance.

All of Us Research Program, National Institutes of Health
Classification: Uncertain significance for Arrhythmogenic cardiomyopathy with wooly hair and keratoderma. Last evaluated: 2023-09-17. Review status: criteria provided, single submitter. Criteria: ACMG Guidelines, 2015. Collection method: clinical testing. Allele origin: germline. Inheritance: Autosomal dominant inheritance. Observed: 1 variant allele, 1 heterozygote.
Comment: This missense variant replaces arginine with glutamine at codon 150 of the DSP protein. Computational prediction suggests that this variant may not impact protein structure and function (internally defined REVEL score threshold <= 0.5, PMID: 27666373). To our knowledge, functional studies have not been reported for this variant. This variant has not been reported in individuals affected with cardiovascular disorders in the literature. This variant has been identified in 9/282198 chromosomes in the general population by the Genome Aggregation Database (gnomAD). The available evidence is insufficient to determine the role of this variant in disease conclusively. Therefore, this variant is classified as a Variant of Uncertain Significance.

This study involves interpretation of variants in research participants for the purpose of population health screening. Participant phenotype was not available at the time of variant classification. Additional details can be found in publication PMID: 35346344, PMCID: PMC8962531

Fulgent Genetics
Classification: Uncertain significance for Arrhythmogenic cardiomyopathy with wooly hair and keratoderma; Arrhythmogenic right ventricular dysplasia 8; Lethal acantholytic epidermolysis bullosa; Keratosis palmoplantaris striata 2; Cardiomyopathy, dilated, with wooly hair, keratoderma, and tooth agenesis. Last evaluated: 2021-09-10. Review status: criteria provided, single submitter. Criteria: ACMG Guidelines, 2015. Collection method: clinical testing. Allele origin: unknown.

NM_004415.4(DSP):c.449G>A (p.Arg150Gln)

Gene: DSP (desmoplakin; plus strand). Cytogenetic location: 6p24.3.
Variant type: single nucleotide variant.
Coding change: c.449G>A on transcript NM_004415.4 (MANE Select); coding-DNA position 449, G replaced by A.
Protein change: p.Arg150Gln; replaces arginine 150 with glutamine.
Molecular consequence: missense variant.
Genome position (GRCh38, 1-based): chr6:7,559,252, G>A. VCF-style: chr6-7559252-G-A. GRCh37 (hg19) VCF-style: chr6-7559485-G-A.
Other names: c.449G>A (LRG_423t1, NM_004415.3); c.449G>A, p.Arg150Gln (NM_001008844.3, NM_001319034.2); short protein forms R150Q.
Identifiers: ClinVar variation 155786 (VCV000155786.15), dbSNP rs587782940, ClinGen allele CA006110.